The following is an entry in ClinVar:

NM_000428.3(LTBP2):c.1576A>C (p.Ser526Arg)

Gene: LTBP2 (latent transforming growth factor beta binding protein 2; minus strand). Cytogenetic location: 14q24.3.
Variant type: single nucleotide variant.
Coding change: c.1576A>C on transcript NM_000428.3 (MANE Select); coding-DNA position 1576, A replaced by C.
Protein change: p.Ser526Arg; replaces serine 526 with arginine.
Molecular consequence: missense variant.
Genome position (GRCh38, 1-based): chr14:74,551,174, T>G on the plus strand (A>C on the coding strand, the complement: LTBP2 is on the minus strand). VCF-style: chr14-74551174-T-G. GRCh37 (hg19) VCF-style: chr14-75017877-T-G.
Other names: short protein forms S526R.
Identifiers: ClinVar variation 1433656 (VCV001433656.6), dbSNP rs1395054168, ClinGen allele CA390398598.

ClinVar aggregate classification (germline): Uncertain significance (1 of 4 stars; one submission).

Allele frequency attached by ClinVar (database versions not stated): gnomAD exomes below 0.00001.
gnomAD v4.1: 1 of 1,613,894 alleles (0.000062%); highest among the groups gnomAD compares: Admixed American, 0.0017%; no homozygotes.

Submission:

Labcorp Genetics (formerly Invitae), Labcorp
Classification: Uncertain significance. Last evaluated: 2020-12-30. Review status: criteria provided, single submitter. Criteria: Invitae Variant Classification Sherloc (09022015). Collection method: clinical testing. Allele origin: germline.
Comment: In summary, the available evidence is currently insufficient to determine the role of this variant in disease. Therefore, it has been classified as a Variant of Uncertain Significance. Algorithms developed to predict the effect of missense changes on protein structure and function are either unavailable or do not agree on the potential impact of this missense change (SIFT: "Deleterious"; PolyPhen-2: "Benign"; Align-GVGD: "Class C25"). This variant has not been reported in the literature in individuals with LTBP2-related conditions. This variant is not present in population databases (ExAC no frequency). This sequence change replaces serine with arginine at codon 526 of the LTBP2 protein (p.Ser526Arg). The serine residue is highly conserved and there is a moderate physicochemical difference between serine and arginine.